The following is an entry in ClinVar:

NM_000059.4(BRCA2):c.1966A>G (p.Thr656Ala)

Gene: BRCA2 (BRCA2 DNA repair associated; plus strand). Cytogenetic location: 13q13.1.
Variant type: single nucleotide variant.
Coding change: c.1966A>G on transcript NM_000059.4 (MANE Select); coding-DNA position 1966, A replaced by G.
Protein change: p.Thr656Ala; replaces threonine 656 with alanine.
Molecular consequence: missense variant.
Genome position (GRCh38, 1-based): chr13:32,336,321, A>G. VCF-style: chr13-32336321-A-G. GRCh37 (hg19) VCF-style: chr13-32910458-A-G.
Other names: 2194A>G; short protein forms T656A.
Identifiers: ClinVar variation 91765 (VCV000091765.28), dbSNP rs398122736, ClinGen allele CA014049.

ClinVar aggregate classification (germline): Conflicting classifications of pathogenicity. Review status: criteria provided, conflicting classifications (1 of 4 stars). 8 submissions from 8 submitters: Uncertain significance (5); Likely benign (2). 1 of the submissions does not count toward it. Last evaluated 2025-11-01.

Conditions:
Hereditary breast ovarian cancer syndrome. Also called: Breast and ovarian cancer; Hereditary breast and ovarian cancer; Hereditary breast and ovarian cancer syndrome; BRCA1- and BRCA2-Associated Hereditary Breast and Ovarian Cancer; Hereditary breast and ovarian cancer syndrome (HBOC); Hereditary breast and/or ovarian cancer syndrome. Identifiers: Orphanet 145, MedGen C0677776, MeSH D061325, MONDO:0003582. Disease mechanism: loss of function.
Hereditary cancer-predisposing syndrome. Also called: Tumor predisposition; Hereditary Cancer Syndrome; Neoplastic Syndromes, Hereditary; Hereditary neoplastic syndrome. Identifiers: Orphanet 140162, MedGen C0027672, MeSH D009386, MONDO:0015356.
Breast-ovarian cancer, familial, susceptibility to, 2 (BROVCA2). Also called: BRCA2 Hereditary Breast and Ovarian Cancer. Identifiers: Orphanet 145, MedGen C2675520, MONDO:0012933, OMIM 612555. Disease mechanism: loss of function.

Allele frequency attached by ClinVar (database versions not stated): ExAC 0.00001; gnomAD 0.00001; gnomAD exomes 0.00001 and 0.00002; TOPMed 0.00002.
gnomAD v4.1: 32 of 1,603,674 alleles (0.002%); highest among the groups gnomAD compares: Non-Finnish European, 0.0026%; no homozygotes.

Submissions (8):

Labcorp Genetics (formerly Invitae), Labcorp
Classification: Uncertain significance for Hereditary breast ovarian cancer syndrome. Last evaluated: 2025-11-01. Review status: criteria provided, single submitter. Criteria: Invitae Variant Classification Sherloc (09022015). Collection method: clinical testing. Allele origin: germline.
Comment: This sequence change replaces threonine, which is neutral and polar, with alanine, which is neutral and non-polar, at codon 656 of the BRCA2 protein (p.Thr656Ala). This variant is present in population databases (rs398122736, gnomAD 0.0009%). This missense change has been observed in individual(s) with hereditary breast and ovarian cancer (PMID: 21120943). ClinVar contains an entry for this variant (Variation ID: 91765). Invitae Evidence Modeling of protein sequence and biophysical properties (such as structural, functional, and spatial information, amino acid conservation, physicochemical variation, residue mobility, and thermodynamic stability) indicates that this missense variant is not expected to disrupt BRCA2 protein function with a negative predictive value of 95%. In summary, the available evidence is currently insufficient to determine the role of this variant in disease. Therefore, it has been classified as a Variant of Uncertain Significance.

Ambry Genetics
Classification: Likely benign for Hereditary cancer-predisposing syndrome. Last evaluated: 2024-07-03. Review status: criteria provided, single submitter. Criteria: Ambry Variant Classification Scheme 2023. Collection method: clinical testing. Allele origin: germline.

Color Diagnostics, LLC DBA Color Health
Classification: Uncertain significance for Hereditary cancer-predisposing syndrome. Last evaluated: 2024-04-24. Review status: criteria provided, single submitter. Criteria: ACMG Guidelines, 2015. Collection method: clinical testing. Allele origin: germline.
Comment: This missense variant replaces threonine with alanine at codon 656 of the BRCA2 protein. Computational prediction suggests that this variant may not impact protein structure and function. To our knowledge, functional studies have not been reported for this variant. This variant has been reported in an individual with a personal or family history of breast and/or ovarian cancer (PMID: 21120943). In a large breast cancer case-control meta analysis conducted by the BRIDGES consortium, this variant was reported in 2/60466 cases and 1/53461 controls (PMID: 33471991; Leiden Open Variation Database DB-ID BRCA2_002974). This variant has been identified in 2/243408 chromosomes in the general population by the Genome Aggregation Database (gnomAD). The available evidence is insufficient to determine the role of this variant in disease conclusively. Therefore, this variant is classified as a Variant of Uncertain Significance.

Women's Health and Genetics/Laboratory Corporation of America, LabCorp
Classification: Uncertain significance. Last evaluated: 2023-09-18. Review status: criteria provided, single submitter. Criteria: LabCorp Variant Classification Summary - May 2015. Collection method: clinical testing. Allele origin: germline.
Comment: Variant summary: BRCA2 c.1966A>G (p.Thr656Ala) results in a non-conservative amino acid change in the encoded protein sequence. Four of five in-silico tools predict a benign effect of the variant on protein function. The variant allele was found at a frequency of 8.2e-06 in 243408 control chromosomes. The available data on variant occurrences in the general population are insufficient to allow any conclusion about variant significance. c.1966A>G has been reported in the literature in individuals affected with breast- and/or ovarian cancer (e.g. Caux-Moncoutier_2011, Dorling_2021), but was also found in controls (Dorling_2021). These report(s) do not provide unequivocal conclusions about association of the variant with Hereditary Breast And Ovarian Cancer Syndrome. To our knowledge, no experimental evidence demonstrating an impact on protein function has been reported. The following publications have been ascertained in the context of this evaluation (PMID: 21120943, 25348012, 33471991). Six submitters have cited clinical-significance assessments for this variant to ClinVar after 2014. Based on the evidence outlined above, the variant was classified as uncertain significance.

University of Washington Department of Laboratory Medicine, University of Washington
Classification: Likely benign for Hereditary cancer-predisposing syndrome. Last evaluated: 2023-03-23. Review status: criteria provided, single submitter. Criteria: Dines et al. (Genet Med. 2020). Collection method: curation. Allele origin: germline.
Comment: Missense variant in a coldspot region where missense variants are very unlikely to be pathogenic (PMID:31911673).

BRCA2 exon 11 coldspot. Reclassification based on statistical prior probability.

GeneDx
Classification: Uncertain significance. Last evaluated: 2020-08-14. Review status: criteria provided, single submitter. Criteria: GeneDx Variant Classification Process June 2021. Collection method: clinical testing. Allele origin: germline. Affected: yes.
Comment: Not observed at a significant frequency in large population cohorts (Lek 2016); In silico analysis supports that this missense variant does not alter protein structure/function; Observed in at least one individual undergoing BRCA1/2 testing (Caux-Moncoutier 2011); Also known as 2194A>G; This variant is associated with the following publications: (PMID: 21120943)

Genetic Services Laboratory, University of Chicago
Classification: Uncertain significance. Last evaluated: 2018-11-09. Review status: criteria provided, single submitter. Criteria: ACMG Guidelines, 2015. Collection method: clinical testing. Allele origin: germline. Affected: no.

Sharing Clinical Reports Project (SCRP)
Classification: Uncertain significance for Breast-ovarian cancer, familial 2. Last evaluated: 2013-04-10. Review status: no assertion criteria provided. Collection method: clinical testing. Allele origin: germline. Not counted in ClinVar's aggregate classification.

Literature cited by the submitters: PubMed 21120943 (cited by 3 submitters); PubMed 33471991 (cited by Color Diagnostics, LLC DBA Color Health and Women's Health and Genetics/Laboratory Corporation of America, LabCorp); PubMed 25348012 (cited by Women's Health and Genetics/Laboratory Corporation of America, LabCorp).